The following is an entry in ClinVar:

NM_014053.4(FLVCR1):c.448T>C (p.Ser150Pro)

Gene: FLVCR1 (FLVCR choline and heme transporter 1; plus strand). Cytogenetic location: 1q32.3.
Variant type: single nucleotide variant.
Coding change: c.448T>C on transcript NM_014053.4 (MANE Select); coding-DNA position 448, T replaced by C.
Protein change: p.Ser150Pro; replaces serine 150 with proline.
Molecular consequence: missense variant.
Genome position (GRCh38, 1-based): chr1:212,858,900, T>C. VCF-style: chr1-212858900-T-C. GRCh37 (hg19) VCF-style: chr1-213032242-T-C.
Other names: c.448T>C (NM_014053.3); short protein forms S150P.
Identifiers: ClinVar variation 2183087 (VCV002183087.6), dbSNP rs1172748960, ClinGen allele CA344796328.

ClinVar aggregate classification (germline): Uncertain significance. Review status: criteria provided, multiple submitters, no conflicts (2 of 4 stars). 3 submissions from 3 submitters: Uncertain significance (3). Last evaluated 2025-07-08.

Conditions:
FLVCR1-related disorder. Also called: FLVCR1-related condition.

Allele frequency attached by ClinVar (database versions not stated): gnomAD exomes below 0.00001; gnomAD 0.00001.

Submissions (3):

PreventionGenetics, part of Exact Sciences
Classification: Uncertain significance for FLVCR1-related condition. Last evaluated: 2025-07-08. Review status: criteria provided, single submitter. Criteria: ACMG Guidelines, 2015. Collection method: clinical testing. Allele origin: germline.
Comment: The FLVCR1 c.448T>C variant is predicted to result in the amino acid substitution p.Ser150Pro. To our knowledge, this variant has not been reported in the literature. This variant is reported in 0.0065% of alleles in individuals of European (Non-Finnish) descent in gnomAD. At this time, the clinical significance of this variant is uncertain due to the absence of conclusive functional and genetic evidence.

Labcorp Genetics (formerly Invitae), Labcorp
Classification: Uncertain significance. Last evaluated: 2023-11-27. Review status: criteria provided, single submitter. Criteria: Invitae Variant Classification Sherloc (09022015). Collection method: clinical testing. Allele origin: germline.
Comment: This sequence change replaces serine, which is neutral and polar, with proline, which is neutral and non-polar, at codon 150 of the FLVCR1 protein (p.Ser150Pro). The frequency data for this variant in the population databases is considered unreliable, as metrics indicate poor data quality at this position in the gnomAD database. This missense change has been observed in individual(s) with retinitis pigmentosa (Invitae). ClinVar contains an entry for this variant (Variation ID: 2183087). Advanced modeling of protein sequence and biophysical properties (such as structural, functional, and spatial information, amino acid conservation, physicochemical variation, residue mobility, and thermodynamic stability) performed at Invitae indicates that this missense variant is expected to disrupt FLVCR1 protein function with a positive predictive value of 80%. In summary, the available evidence is currently insufficient to determine the role of this variant in disease. Therefore, it has been classified as a Variant of Uncertain Significance.

Blueprint Genetics
Classification: Uncertain significance. Last evaluated: 2022-01-26. Review status: criteria provided, single submitter. Criteria: ACMG Guidelines, 2015. Collection method: clinical testing. Allele origin: germline.